The following is an entry in ClinVar:

ClinVar aggregate classification (germline): Likely benign. Review status: criteria provided, multiple submitters, no conflicts (2 of 4 stars). 3 submissions from 3 submitters: Likely benign (3). Last evaluated 2025-12-20.

Conditions:
ABCA4-related disorder. Also called: ABCA4-related disorders; ABCA4-related condition. Identifiers: MedGen CN239167.

Allele frequency attached by ClinVar (database versions not stated): gnomAD exomes 0.00004 and 0.00020; ExAC 0.00007; gnomAD 0.00008 and 0.00009; ESP Exome Variant Server 0.00015.
gnomAD v4.1: 302 of 1,613,812 alleles (0.019%); highest among the groups gnomAD compares: Non-Finnish European, 0.024%; no homozygotes.

Submissions (3):

Labcorp Genetics (formerly Invitae), Labcorp
Classification: Likely benign. Last evaluated: 2025-12-20. Review status: criteria provided, single submitter. Criteria: Invitae Variant Classification Sherloc (09022015). Collection method: clinical testing. Allele origin: germline.

PreventionGenetics, part of Exact Sciences
Classification: Likely benign for ABCA4-related condition. Last evaluated: 2024-10-17. Review status: criteria provided, single submitter. Criteria: ACMG Guidelines, 2015. Collection method: clinical testing. Allele origin: germline.
Comment: This variant is classified as likely benign based on ACMG/AMP sequence variant interpretation guidelines (Richards et al. 2015 PMID: 25741868, with internal and published modifications).

Blueprint Genetics
Classification: Likely benign. Last evaluated: 2024-08-15. Review status: criteria provided, single submitter. Criteria: ACMG Guidelines, 2015. Collection method: clinical testing. Allele origin: germline.

NM_000350.3(ABCA4):c.1983G>C (p.Leu661=)

Gene: ABCA4 (ATP binding cassette subfamily A member 4; minus strand). Cytogenetic location: 1p22.1.
Variant type: single nucleotide variant.
Coding change: c.1983G>C on transcript NM_000350.3 (MANE Select); coding-DNA position 1983, G replaced by C.
Protein change: p.Leu661=; no amino-acid change (leucine 661 retained).
Molecular consequence: synonymous variant.
Genome position (GRCh38, 1-based): chr1:94,060,714, C>G on the plus strand (G>C on the coding strand, the complement: ABCA4 is on the minus strand). VCF-style: chr1-94060714-C-G. GRCh37 (hg19) VCF-style: chr1-94526270-C-G.
Other names: c.1983G>C, p.Leu661= (NM_001425324.1); c.1983G>C (NM_000350.2).
Identifiers: ClinVar variation 1136543 (VCV001136543.12), dbSNP rs373643636, ClinGen allele CA958373.